The following is an entry in ClinVar:

NM_001077365.2(POMT1):c.1638C>G (p.Ser546Arg)

Gene: POMT1 (protein O-mannosyltransferase 1; plus strand). Cytogenetic location: 9q34.13.
Variant type: single nucleotide variant.
Coding change: c.1638C>G on transcript NM_001077365.2 (MANE Select); coding-DNA position 1638, C replaced by G.
Protein change: p.Ser546Arg; replaces serine 546 with arginine.
Molecular consequence: missense variant. On other transcripts: non-coding transcript variant (10).
Genome position (GRCh38, 1-based): chr9:131,520,133, C>G. VCF-style: chr9-131520133-C-G. GRCh37 (hg19) VCF-style: chr9-134395520-C-G.
Other names: c.1542C>G, p.Ser514Arg (NM_001353197.2, NM_001353198.2); c.1353C>G, p.Ser451Arg (NM_001353199.2); c.1182C>G, p.Ser394Arg (NM_001353200.2); c.1626C>G, p.Ser542Arg (NM_001374689.1); c.1419C>G, p.Ser473Arg (NM_001374690.1); c.1287C>G, p.Ser429Arg (NM_001374691.1, NM_001374692.1, NM_001374693.1 and 2 more transcripts); c.1248C>G, p.Ser416Arg (NM_001374695.1); c.1704C>G, p.Ser568Arg (NM_007171.4, NM_001353193.2); and 3 more; short protein forms S416R, S429R, S473R, S394R, S514R, S516R, S568R, S451R.
Identifiers: ClinVar variation 1353742 (VCV001353742.3), dbSNP rs2131881044, ClinGen allele CA375313128.

ClinVar aggregate classification (germline): Uncertain significance (1 of 4 stars; one submission).

Conditions:
Walker-Warburg congenital muscular dystrophy. Also called: Muscular dystrophy-dystroglycanopathy, type A; Walker-Warburg syndrome. Identifiers: Orphanet 899, MedGen C0265221, MONDO:0000171.
Autosomal recessive limb-girdle muscular dystrophy type 2K. Also called: MUSCULAR DYSTROPHY, LIMB-GIRDLE, TYPE 2K; MUSCULAR DYSTROPHY-DYSTROGLYCANOPATHY (LIMB-GIRDLE), TYPE C, 1. Identifiers: Orphanet 86812, MedGen C1836373, MONDO:0012248, OMIM 609308.
Muscular dystrophy-dystroglycanopathy (congenital with impaired intellectual development), type B, 1. Also called: MUSCULAR DYSTROPHY, CONGENITAL, POMT1-RELATED; Muscular dystrophy-dystroglycanopathy (congenital with intellectual disability), type B1. Identifiers: MedGen C5436962, MONDO:0013159, OMIM 613155.

Submission:

Labcorp Genetics (formerly Invitae), Labcorp
Classification: Uncertain significance for Muscular dystrophy-dystroglycanopathy (congenital with impaired intellectual development), type B, 1; Walker-Warburg congenital muscular dystrophy; Autosomal recessive limb-girdle muscular dystrophy type 2K. Last evaluated: 2022-06-27. Review status: criteria provided, single submitter. Criteria: Invitae Variant Classification Sherloc (09022015). Collection method: clinical testing. Allele origin: germline.
Comment: This sequence change replaces serine, which is neutral and polar, with arginine, which is basic and polar, at codon 568 of the POMT1 protein (p.Ser568Arg). This variant is not present in population databases (gnomAD no frequency). This variant has not been reported in the literature in individuals affected with POMT1-related conditions. Algorithms developed to predict the effect of missense changes on protein structure and function (SIFT, PolyPhen-2, Align-GVGD) all suggest that this variant is likely to be tolerated. In summary, the available evidence is currently insufficient to determine the role of this variant in disease. Therefore, it has been classified as a Variant of Uncertain Significance.